The following is an entry in ClinVar:

ClinVar aggregate classification (germline): Pathogenic/Likely pathogenic. Review status: criteria provided, multiple submitters, no conflicts (2 of 4 stars). 8 submissions from 7 submitters: Pathogenic (1); Likely pathogenic (5). 2 of the submissions do not count toward it. Last evaluated 2025-08-11.

Conditions:
MYO7A-related disorder. Also called: MYO7A-related disorders.
Rare genetic deafness. Identifiers: Orphanet 96210, MedGen C5680250.
Usher syndrome type 1 (USH1). Also called: RETINITIS PIGMENTOSA AND CONGENITAL DEAFNESS. Identifiers: Orphanet 231169, Orphanet 886, MedGen C1568247, MONDO:0010168, OMIM 276900.
Autosomal dominant nonsyndromic hearing loss 11. Identifiers: Orphanet 90635, MedGen C1832475, MONDO:0011032, OMIM 601317.
Autosomal recessive nonsyndromic hearing loss 2. Also called: DEAFNESS, AUTOSOMAL RECESSIVE 2; NEUROSENSORY NONSYNDROMIC RECESSIVE DEAFNESS 2. Identifiers: Orphanet 90636, MedGen C1838701, MONDO:0010807, OMIM 600060.
Usher syndrome type 1B (USH1B). Also called: Usher syndrome type IB. Identifiers: MedGen C1848638, MONDO:0700087.

Allele frequency attached by ClinVar (database versions not stated): TOPMed 0.00001.

Submissions (9):

Natera, Inc.
Classification: Likely pathogenic for Usher syndrome type 1B. Last evaluated: 2025-08-11. Review status: criteria provided, single submitter. Criteria: Natera Variant Classification Schema (03/2026). Collection method: clinical testing. Allele origin: germline.
Comment: The c.2904G>A variant in MYO7A is a synonymous variant that does not alter the encoded amino acid at position 968 (p.E968=). This variant is rare in the general population with a frequency below the threshold expected for the associated phenotype(s). This variant has been observed to segregate in affected family members (PMID: 36164746). Functional studies show that this variant may disrupt protein function (PMID: 36164746). Computational prediction algorithms indicate this variant is likely to affect gene or protein function. Given the available evidence, this variant is classified as Likely Pathogenic.

Fulgent Genetics
Classification: Likely pathogenic for Usher syndrome type 1; Autosomal recessive nonsyndromic hearing loss 2; Autosomal dominant nonsyndromic hearing loss 11. Last evaluated: 2024-05-07. Review status: criteria provided, single submitter. Criteria: ACMG Guidelines, 2015. Collection method: clinical testing. Allele origin: germline.

Labcorp Genetics (formerly Invitae), Labcorp
Classification: Pathogenic. Last evaluated: 2024-04-25. Review status: criteria provided, single submitter. Criteria: Invitae Variant Classification Sherloc (09022015). Collection method: clinical testing. Allele origin: germline.
Comment: This sequence change affects codon 968 of the MYO7A mRNA. It is a 'silent' change, meaning that it does not change the encoded amino acid sequence of the MYO7A protein. RNA analysis indicates that this variant induces altered splicing and likely results in a shortened protein product. This variant is present in population databases (rs111033233, gnomAD 0.006%). This variant has been observed in individual(s) with clinical features of Usher syndrome (PMID: 36164746; Invitae). It has also been observed to segregate with disease in related individuals. ClinVar contains an entry for this variant (Variation ID: 228280). Variants that disrupt the consensus splice site are a relatively common cause of aberrant splicing (PMID: 17576681, 9536098). Studies have shown that this variant results in skipping of exon 23, but is expected to preserve the integrity of the reading-frame (PMID: 36164746). This variant disrupts the c.2904G nucleotide in the MYO7A gene. Other variant(s) that disrupt this nucleotide have been determined to be pathogenic (PMID: 10930322, 15660226, 24199935, 25472526, 26969326). This suggests that this nucleotide is clinically significant, and that variants that disrupt this position are likely to be disease-causing. For these reasons, this variant has been classified as Pathogenic.

Blueprint Genetics
Classification: Likely pathogenic for MYO7A-related disorders. Last evaluated: 2019-10-25. Review status: criteria provided, single submitter. Criteria: ACMG Guidelines, 2015. Collection method: clinical testing. Allele origin: germline. Affected: yes. Observed: 1 variant allele.

Laboratory for Molecular Medicine, Mass General Brigham Personalized Medicine
Classification: Likely pathogenic for Rare genetic deafness. Last evaluated: 2015-08-20. Review status: criteria provided, single submitter. Criteria: LMM Criteria. Collection method: clinical testing. Allele origin: germline. Inheritance: Autosomal recessive inheritance. Observed: 3 variant alleles.
Comment: The c.2904G>A (p.Glu968Glu) variant in MYO7A has not been previously reported in individuals with hearing loss, but has been identified in 1/8202 East Asian chr omosomes by the Exome Aggregation Consortium (ExAC, rg). Although this variant has been seen in the general population, its frequenc y is low enough to be consistent with a recessive carrier frequency. This varian t is located at the last base of the exon, which is a highly conserved nucleotid e that is part of the 5' splice region. Computational tools predict that this v ariant is likely to impact splicing. In addition, a pathogenic variant affectin g the same nucleotide position (c.2904G>T, p.Glu968Asp) has been reported in 7 i ndividuals with Usher syndrome, including one homozygote and five compound heter ozygotes (Bharadwaj 2000, Ouyang 2005, Jacobson 2008, Le Quesne Stabej 2012, Buj akowska 2014, LMM unpublished data). In summary, although additional studies, s uch as functional analysis, are required to fully establish its clinical signifi cance, this variant is likely pathogenic.

Juno Genomics, Hangzhou Juno Genomics, Inc
Classification: Likely pathogenic for Usher syndrome type 1. Review status: criteria provided, single submitter. Criteria: ACMG Guidelines, 2015. Collection method: clinical testing. Allele origin: germline.
Comment: Absent from controls (or at extremely low frequency if recessive) in Genome Aggregation Database.;Null variant in a gene where loss of function (LOF) is a known mechanism of disease.;Co-segregation with disease in multiple affected family members.

Dr. Peter K. Rogan Lab, Western University
No classification provided (evidence only). Condition: Thyroid cancer, nonmedullary, 1. Review status: no classification provided. Collection method: in vitro. Allele origin: not applicable. Functional consequence: retained intron. Not counted in ClinVar's aggregate classification.

Counsyl
Classification: Uncertain significance for Usher syndrome type 1. Last evaluated: 2019-01-24. Review status: flagged submission. Collection method: clinical testing. Allele origin: unknown. Not counted in ClinVar's aggregate classification.
ClinVar note: Reason: Older and outlier claim with insufficient supporting evidence

Counsyl
Classification: Uncertain significance for Autosomal recessive nonsyndromic hearing loss 2. Last evaluated: 2019-01-24. Review status: flagged submission. Collection method: clinical testing. Allele origin: unknown. Not counted in ClinVar's aggregate classification.
ClinVar note: Reason: Older and outlier claim with insufficient supporting evidence

Literature cited by the submitters: PubMed 36164746 (cited by Natera, Inc. and Labcorp Genetics (formerly Invitae), Labcorp); PubMed 17576681 (cited by Labcorp Genetics (formerly Invitae), Labcorp); PubMed 9536098 (cited by Labcorp Genetics (formerly Invitae), Labcorp); PubMed 10930322 (cited by Labcorp Genetics (formerly Invitae), Labcorp and Laboratory for Molecular Medicine, Mass General Brigham Personalized Medicine); PubMed 15660226 (cited by Labcorp Genetics (formerly Invitae), Labcorp and Laboratory for Molecular Medicine, Mass General Brigham Personalized Medicine); PubMed 24199935 (cited by Labcorp Genetics (formerly Invitae), Labcorp); PubMed 25472526 (cited by Labcorp Genetics (formerly Invitae), Labcorp); PubMed 26969326 (cited by Labcorp Genetics (formerly Invitae), Labcorp); PubMed 22135276 (cited by Laboratory for Molecular Medicine, Mass General Brigham Personalized Medicine); PubMed 25468891 (cited by Laboratory for Molecular Medicine, Mass General Brigham Personalized Medicine); PubMed 19074810 (cited by Laboratory for Molecular Medicine, Mass General Brigham Personalized Medicine).

NM_000260.4(MYO7A):c.2904G>A (p.Glu968=)

Gene: MYO7A (myosin VIIA; plus strand). Cytogenetic location: 11q13.5.
Variant type: single nucleotide variant.
Coding change: c.2904G>A on transcript NM_000260.4 (MANE Select); coding-DNA position 2904, G replaced by A.
Protein change: p.Glu968=; no amino-acid change (glutamic acid 968 retained).
Molecular consequence: synonymous variant.
Genome position (GRCh38, 1-based): chr11:77,181,589, G>A. VCF-style: chr11-77181589-G-A. GRCh37 (hg19) VCF-style: chr11-76892635-G-A.
Other names: c.2904G>A, p.Glu968= (NM_001127180.2); c.2871G>A, p.Glu957= (NM_001369365.1).
Identifiers: ClinVar variation 228280 (VCV000228280.17), dbSNP rs111033233, ClinGen allele CA6197949.